The following is an entry in ClinVar:

NM_002913.5(RFC1):c.1451G>A (p.Gly484Asp)

Gene: RFC1 (replication factor C subunit 1; minus strand). Cytogenetic location: 4p14.
Variant type: single nucleotide variant.
Coding change: c.1451G>A on transcript NM_002913.5 (MANE Select); coding-DNA position 1451, G replaced by A.
Protein change: p.Gly484Asp; replaces glycine 484 with aspartic acid.
Molecular consequence: missense variant.
Genome position (GRCh38, 1-based): chr4:39,311,482, C>T on the plus strand (G>A on the coding strand, the complement: RFC1 is on the minus strand). VCF-style: chr4-39311482-C-T. GRCh37 (hg19) VCF-style: chr4-39313102-C-T.
Other names: c.1451G>A, p.Gly484Asp (NM_001204747.2); c.1373G>A, p.Gly458Asp (NM_001363495.2, NM_001363496.2); short protein forms G458D, G484D.
Identifiers: ClinVar variation 3774297 (VCV003774297.1).

ClinVar aggregate classification (germline): Uncertain significance (1 of 4 stars; one submission).

gnomAD v4.1: 23 of 1,613,896 alleles (0.0014%); highest among the groups gnomAD compares: Non-Finnish European, 0.0019%; no homozygotes.

Submission:

GeneDx
Classification: Uncertain significance. Last evaluated: 2024-09-20. Review status: criteria provided, single submitter. Criteria: GeneDx Variant Classification Process June 2021. Collection method: clinical testing. Allele origin: germline. Affected: yes.
Comment: Not observed at significant frequency in large population cohorts (gnomAD); In silico analysis supports that this missense variant has a deleterious effect on protein structure/function; Has not been previously published as pathogenic or benign to our knowledge